The following is an entry in ClinVar:

ClinVar aggregate classification (germline): Uncertain significance (1 of 4 stars; one submission).

Allele frequency attached by ClinVar (database versions not stated): gnomAD exomes below 0.00001.

Submission:

Ambry Genetics
Classification: Uncertain significance. Last evaluated: 2021-11-22. Review status: criteria provided, single submitter. Criteria: Ambry Variant Classification Scheme 2023. Collection method: clinical testing. Allele origin: germline.
Comment: The p.E145G variant (also known as c.434A>G), located in coding exon 1 of the EGLN2 gene, results from an A to G substitution at nucleotide position 434. The glutamic acid at codon 145 is replaced by glycine, an amino acid with similar properties. This amino acid position is conserved. In addition, this alteration is predicted to be tolerated by in silico analysis. Since supporting evidence is limited at this time, the clinical significance of this alteration remains unclear.

NM_080732.4(EGLN2):c.434A>G (p.Glu145Gly)

Genes: EGLN2 (egl-9 family hypoxia inducible factor 2; plus strand), RAB4B-EGLN2 (RAB4B-EGLN2 readthrough (NMD candidate); plus strand). Cytogenetic location: 19q13.2.
Variant type: single nucleotide variant.
Coding change: c.434A>G on transcript NM_080732.4 (MANE Select); coding-DNA position 434, A replaced by G.
Protein change: p.Glu145Gly; replaces glutamic acid 145 with glycine.
Molecular consequence: missense variant. On other transcripts: non-coding transcript variant (1).
Genome position (GRCh38, 1-based): chr19:40,801,006, A>G. VCF-style: chr19-40801006-A-G. GRCh37 (hg19) VCF-style: chr19-41306911-A-G.
Other names: c.434A>G, p.Glu145Gly (NM_053046.4); short protein forms E145G.
Identifiers: ClinVar variation 1739908 (VCV001739908.2), dbSNP rs2515994120, ClinGen allele CA405955247.